The following is an entry in ClinVar:

NM_000426.4(LAMA2):c.8455A>G (p.Arg2819Gly)

Gene: LAMA2 (laminin subunit alpha 2; plus strand). Cytogenetic location: 6q22.33.
Variant type: single nucleotide variant.
Coding change: c.8455A>G on transcript NM_000426.4 (MANE Select); coding-DNA position 8455, A replaced by G.
Protein change: p.Arg2819Gly; replaces arginine 2819 with glycine.
Molecular consequence: missense variant.
Genome position (GRCh38, 1-based): chr6:129,503,188, A>G. VCF-style: chr6-129503188-A-G. GRCh37 (hg19) VCF-style: chr6-129824333-A-G.
Other names: c.8443A>G, p.Arg2815Gly (NM_001079823.2); short protein forms R2819G, R2815G.
Identifiers: ClinVar variation 4801390 (VCV004801390.1).
Genomic context (GRCh38, chr6:129,503,188, plus strand): 5'-TCCGGCTTGCTTTTTTACATGGCTCGCATCAATCATGCTGATTTTGCAACAGTTCAGCTG[A>G]GAAATGGATTGCCCTACTTCAGCTATGACTTGGGGAGTGGGGACACCCACACCATGATCC-3'
Protein context (NP_000417.3, residues 2809-2829): NHADFATVQL[Arg2819Gly]NGLPYFSYDL

ClinVar aggregate classification (germline): Uncertain significance (1 of 4 stars; one submission).

Conditions:
LAMA2-related muscular dystrophy (LAMA2-RD). Also called: Laminin alpha 2-related dystrophy. Identifiers: MedGen C5679788, MONDO:0100228.

Submission:

Labcorp Genetics (formerly Invitae), Labcorp
Classification: Uncertain significance for LAMA2-related muscular dystrophy. Last evaluated: 2025-06-09. Review status: criteria provided, single submitter. Criteria: Invitae Variant Classification Sherloc (09022015). Collection method: clinical testing. Allele origin: germline.
Comment: This sequence change replaces arginine, which is basic and polar, with glycine, which is neutral and non-polar, at codon 2819 of the LAMA2 protein (p.Arg2819Gly). This variant is not present in population databases (gnomAD no frequency). This variant has not been reported in the literature in individuals affected with LAMA2-related conditions. Invitae Evidence Modeling of protein sequence and biophysical properties (such as structural, functional, and spatial information, amino acid conservation, physicochemical variation, residue mobility, and thermodynamic stability) indicates that this missense variant is not expected to disrupt LAMA2 protein function with a negative predictive value of 95%. In summary, the available evidence is currently insufficient to determine the role of this variant in disease. Therefore, it has been classified as a Variant of Uncertain Significance.